The following is an entry in ClinVar:

NM_013275.6(ANKRD11):c.430A>G (p.Thr144Ala)

Gene: ANKRD11 (ankyrin repeat domain 11; minus strand). Cytogenetic location: 16q24.3.
Variant type: single nucleotide variant.
Coding change: c.430A>G on transcript NM_013275.6 (MANE Select); coding-DNA position 430, A replaced by G.
Protein change: p.Thr144Ala; replaces threonine 144 with alanine.
Molecular consequence: missense variant. On other transcripts: non-coding transcript variant (1).
Genome position (GRCh38, 1-based): chr16:89,290,796, T>C on the plus strand (A>G on the coding strand, the complement: ANKRD11 is on the minus strand). VCF-style: chr16-89290796-T-C. GRCh37 (hg19) VCF-style: chr16-89357204-T-C.
Other names: c.430A>G (NM_013275.5); c.430A>G, p.Thr144Ala (NM_001256182.2, NM_001256183.2); short protein forms T144A.
Identifiers: ClinVar variation 3122306 (VCV003122306.4), dbSNP rs1258046672, ClinGen allele CA397167476.
Genomic context (GRCh38, chr16:89,290,796, plus strand): 5'-TCTTGTTCACTTTATCTTTGGTTTTTGAGGCAGAGTTGGGCGTTCCCTTCTGACACACTG[T>C]AGACTGGGAGGGGTGCTTTGGTGTTGTGTCCACTGCAGGCCAAGGAGGGGACAGATGGGC-3'
Protein context (NP_037407.4, residues 134-154): DTTPKHPSQS[Thr144Ala]VCQKGTPNSA

ClinVar aggregate classification (germline): Conflicting classifications of pathogenicity. Review status: criteria provided, conflicting classifications (1 of 4 stars). 3 submissions from 3 submitters: Uncertain significance (2); Benign (1). Last evaluated 2025-03-17.

Conditions:
KBG syndrome (KBGS). Also called: ANKRD11-Related KBG Syndrome. Identifiers: Orphanet 2332, MedGen C0220687, MONDO:0007846, OMIM 148050.
Inborn genetic diseases. Identifiers: MedGen C0950123, MeSH D030342.

Allele frequency attached by ClinVar (database versions not stated): gnomAD exomes below 0.00001; gnomAD 0.00001; TOPMed 0.00001.
gnomAD v4.1: 3 of 1,613,912 alleles (0.00019%); highest among the groups gnomAD compares: Admixed American, 0.005%; no homozygotes.

Submissions (3):

Labcorp Genetics (formerly Invitae), Labcorp
Classification: Benign for KBG syndrome. Last evaluated: 2025-03-17. Review status: criteria provided, single submitter. Criteria: Invitae Variant Classification Sherloc (09022015). Collection method: clinical testing. Allele origin: germline.

GeneDx
Classification: Uncertain significance. Last evaluated: 2025-01-16. Review status: criteria provided, single submitter. Criteria: GeneDx Variant Classification Process June 2021. Collection method: clinical testing. Allele origin: germline. Affected: yes.
Comment: Not observed at significant frequency in large population cohorts (gnomAD); In silico analysis supports that this missense variant has a deleterious effect on protein structure/function; Missense variant in a gene in which most reported pathogenic variants are truncating/loss of function; Has not been previously published as pathogenic or benign to our knowledge

Ambry Genetics
Classification: Uncertain significance for Inborn genetic diseases. Last evaluated: 2024-01-22. Review status: criteria provided, single submitter. Criteria: Ambry Variant Classification Scheme 2023. Collection method: clinical testing. Allele origin: germline.